The following is an entry in ClinVar:

NM_005026.5(PIK3CD):c.851C>G (p.Ala284Gly)

Gene: PIK3CD (phosphatidylinositol-4,5-bisphosphate 3-kinase catalytic subunit delta; plus strand). Cytogenetic location: 1p36.22.
Variant type: single nucleotide variant.
Coding change: c.851C>G on transcript NM_005026.5 (MANE Select); coding-DNA position 851, C replaced by G.
Protein change: p.Ala284Gly; replaces alanine 284 with glycine.
Molecular consequence: missense variant. On other transcripts: intron variant (1).
Genome position (GRCh38, 1-based): chr1:9,717,029, C>G. VCF-style: chr1-9717029-C-G. GRCh37 (hg19) VCF-style: chr1-9777087-C-G.
Other names: c.851C>G, p.Ala284Gly (NM_001350234.2); c.781-17C>G (NM_001350235.1); short protein forms A284G.
Identifiers: ClinVar variation 3716207 (VCV003716207.2).

ClinVar aggregate classification (germline): Uncertain significance (1 of 4 stars; one submission).

Conditions:
Immunodeficiency 14 (IMD14A). Also called: IMMUNODEFICIENCY 14A WITH LYMPHOPROLIFERATION, AUTOSOMAL DOMINANT; p110-DELTA-ACTIVATING MUTATION CAUSING SENESCENT T CELLS, LYMPHADENOPATHY, AND IMMUNODEFICIENCY; ACTIVATED PI3K-DELTA SYNDROME 1; Activated PI3K Delta Syndrome Type 1 (APDS1). Identifiers: Orphanet 397596, Orphanet 693661, MedGen C5907821, MONDO:0014222, OMIM 615513.

Submission:

Labcorp Genetics (formerly Invitae), Labcorp
Classification: Uncertain significance for Activated PI3K-delta syndrome. Last evaluated: 2024-02-16. Review status: criteria provided, single submitter. Criteria: Invitae Variant Classification Sherloc (09022015). Collection method: clinical testing. Allele origin: germline.
Comment: This sequence change replaces alanine, which is neutral and non-polar, with glycine, which is neutral and non-polar, at codon 284 of the PIK3CD protein (p.Ala284Gly). This variant is not present in population databases (gnomAD no frequency). This variant has not been reported in the literature in individuals affected with PIK3CD-related conditions. Advanced modeling of protein sequence and biophysical properties (such as structural, functional, and spatial information, amino acid conservation, physicochemical variation, residue mobility, and thermodynamic stability) performed at Invitae indicates that this missense variant is not expected to disrupt PIK3CD protein function with a negative predictive value of 80%. In summary, the available evidence is currently insufficient to determine the role of this variant in disease. Therefore, it has been classified as a Variant of Uncertain Significance.